The following is an entry in ClinVar:

ClinVar aggregate classification (germline): Uncertain significance (1 of 4 stars; one submission).

Conditions:
Benign neonatal seizures. Also called: Convulsions benign familial neonatal dominant form; Autosomal dominant form of benign neonatal seizures; Benign neonatal familial convulsions; Benign familial neonatal epilepsy; Benign familial neonatal seizures. Identifiers: Orphanet 1949, MedGen C0220669, MONDO:0016027.

Submission:

Labcorp Genetics (formerly Invitae), Labcorp
Classification: Uncertain significance for Benign neonatal seizures. Last evaluated: 2022-07-12. Review status: criteria provided, single submitter. Criteria: Invitae Variant Classification Sherloc (09022015). Collection method: clinical testing. Allele origin: germline.
Comment: In summary, the available evidence is currently insufficient to determine the role of this variant in disease. Therefore, it has been classified as a Variant of Uncertain Significance. Algorithms developed to predict the effect of missense changes on protein structure and function are either unavailable or do not agree on the potential impact of this missense change (SIFT: "Tolerated"; PolyPhen-2: "Possibly Damaging"; Align-GVGD: "Class C0"). ClinVar contains an entry for this variant (Variation ID: 1361525). This variant has not been reported in the literature in individuals affected with KCNQ3-related conditions. This variant is not present in population databases (gnomAD no frequency). This sequence change replaces arginine, which is basic and polar, with serine, which is neutral and polar, at codon 500 of the KCNQ3 protein (p.Arg500Ser).

NM_004519.4(KCNQ3):c.1500G>C (p.Arg500Ser)

Gene: KCNQ3 (potassium voltage-gated channel subfamily Q member 3; minus strand). Cytogenetic location: 8q24.22.
Variant type: single nucleotide variant.
Coding change: c.1500G>C on transcript NM_004519.4 (MANE Select); coding-DNA position 1500, G replaced by C.
Protein change: p.Arg500Ser; replaces arginine 500 with serine.
Molecular consequence: missense variant.
Genome position (GRCh38, 1-based): chr8:132,140,144, C>G on the plus strand (G>C on the coding strand, the complement: KCNQ3 is on the minus strand). VCF-style: chr8-132140144-C-G. GRCh37 (hg19) VCF-style: chr8-133152391-C-G.
Other names: c.1140G>C, p.Arg380Ser (NM_001204824.2); short protein forms R500S, R380S.
Identifiers: ClinVar variation 1361525 (VCV001361525.8), dbSNP rs1825237962, ClinGen allele CA372219701.
Genomic context (GRCh38, chr8:132,140,144, plus strand): 5'-TCGGATGGCGGCCTTCAGGGTGGGGATCATGTCTTCGATGGGGAAGTCATTCCCATAGCC[C>G]CTGTCTTCCGCCATGGGGTCACCTGTCCCGGCATCTGGGAGGGAGACACACATATGAACG-3'
Protein context (NP_004510.1, residues 490-510): AGTGDPMAED[Arg500Ser]GYGNDFPIED